The following is an entry in ClinVar:

ClinVar aggregate classification (germline): Uncertain significance (1 of 4 stars; one submission).

Conditions:
Agammaglobulinemia 3, autosomal recessive (AGM3). Also called: AGAMMAGLOBULINEMIA 3; AGAMMAGLOBULINEMIA, AUTOSOMAL RECESSIVE, DUE TO CD79A DEFECT. Identifiers: MedGen C3150751, MONDO:0013288, OMIM 613501.

Allele frequency attached by ClinVar (database versions not stated): TOPMed below 0.00001; ExAC 0.00001; gnomAD 0.00001; gnomAD exomes 0.00001.
gnomAD v4.1: 13 of 1,613,906 alleles (0.00081%); highest among the groups gnomAD compares: African/African-American, 0.0067%; no homozygotes.

Submission:

Labcorp Genetics (formerly Invitae), Labcorp
Classification: Uncertain significance for Agammaglobulinemia 3, autosomal recessive. Last evaluated: 2025-02-17. Review status: criteria provided, single submitter. Criteria: Invitae Variant Classification Sherloc (09022015). Collection method: clinical testing. Allele origin: germline.
Comment: This sequence change replaces glycine, which is neutral and non-polar, with alanine, which is neutral and non-polar, at codon 3 of the CD79A protein (p.Gly3Ala). This variant is present in population databases (rs782206373, gnomAD 0.002%). This variant has not been reported in the literature in individuals affected with CD79A-related conditions. ClinVar contains an entry for this variant (Variation ID: 1508770). An algorithm developed to predict the effect of missense changes on protein structure and function (PolyPhen-2) suggests that this variant is likely to be tolerated. In summary, the available evidence is currently insufficient to determine the role of this variant in disease. Therefore, it has been classified as a Variant of Uncertain Significance.

NM_001783.4(CD79A):c.8G>C (p.Gly3Ala)

Genes: RPS19-CD79A (RPS19-CD79A readthrough; plus strand), CD79A (CD79a molecule; plus strand). Cytogenetic location: 19q13.2.
Variant type: single nucleotide variant.
Coding change: c.8G>C on transcript NM_001783.4 (MANE Select); coding-DNA position 8, G replaced by C.
Protein change: p.Gly3Ala; replaces glycine 3 with alanine.
Molecular consequence: missense variant.
Genome position (GRCh38, 1-based): chr19:41,877,312, G>C. VCF-style: chr19-41877312-G-C. GRCh37 (hg19) VCF-style: chr19-42381382-G-C.
Other names: c.8G>C, p.Gly3Ala (NM_021601.4); short protein forms G3A.
Identifiers: ClinVar variation 1508770 (VCV001508770.7), dbSNP rs782206373, ClinGen allele CA9465478.